The following is an entry in ClinVar:

ClinVar aggregate classification (germline): Uncertain significance (1 of 4 stars; one submission).

Conditions:
Hereditary cancer-predisposing syndrome. Also called: Hereditary Cancer Syndrome; Tumor predisposition; Hereditary neoplastic syndrome; Neoplastic Syndromes, Hereditary. Identifiers: Orphanet 140162, MedGen C0027672, MeSH D009386, MONDO:0015356.

gnomAD v4.1: 1 of 1,613,556 alleles (0.000062%); highest among the groups gnomAD compares: Non-Finnish European, 0.000085%; no homozygotes.

Submission:

Ambry Genetics
Classification: Uncertain significance for Hereditary cancer-predisposing syndrome. Last evaluated: 2024-10-23. Review status: criteria provided, single submitter. Criteria: Ambry Variant Classification Scheme 2023. Collection method: clinical testing. Allele origin: germline.
Comment: The p.D163E variant (also known as c.489C>A), located in coding exon 5 of the MRE11A gene, results from a C to A substitution at nucleotide position 489. The aspartic acid at codon 163 is replaced by glutamic acid, an amino acid with highly similar properties. This amino acid position is conserved. In addition, this alteration is predicted to be tolerated by in silico analysis. Based on the available evidence, the clinical significance of this variant remains unclear.

NM_005591.4(MRE11):c.489C>A (p.Asp163Glu)

Gene: MRE11 (MRE11 double strand break repair nuclease; minus strand). Cytogenetic location: 11q21.
Variant type: single nucleotide variant.
Coding change: c.489C>A on transcript NM_005591.4 (MANE Select); coding-DNA position 489, C replaced by A.
Protein change: p.Asp163Glu; replaces aspartic acid 163 with glutamic acid.
Molecular consequence: missense variant.
Genome position (GRCh38, 1-based): chr11:94,478,790, G>T on the plus strand (C>A on the coding strand, the complement: MRE11 is on the minus strand). VCF-style: chr11-94478790-G-T. GRCh37 (hg19) VCF-style: chr11-94211956-G-T.
Other names: c.489C>A, p.Asp163Glu (NM_001330347.2, NM_005590.4); short protein forms D163E.
Identifiers: ClinVar variation 3397877 (VCV003397877.1).